The following is an entry in ClinVar:

ClinVar aggregate classification (germline): Uncertain significance (1 of 4 stars; one submission).

Submission:

GeneDx
Classification: Uncertain significance. Last evaluated: 2022-07-18. Review status: criteria provided, single submitter. Criteria: GeneDx Variant Classification Process June 2021. Collection method: clinical testing. Allele origin: germline. Affected: yes.
Comment: Not observed at significant frequency in large population cohorts (gnomAD); Frameshift variant predicted to result in protein truncation or nonsense mediated decay in a gene or region of a gene for which loss of function is not a well-established mechanism of disease; Has not been previously published as pathogenic or benign to our knowledge

NM_015076.5(CDK19):c.722del (p.Ile241fs)

Gene: CDK19 (cyclin dependent kinase 19; minus strand). Cytogenetic location: 6q21.
Variant type: Deletion.
Coding change: c.722del on transcript NM_015076.5 (MANE Select); coding-DNA position 722, one base deleted (T; older notation c.722delT).
Protein change: p.Ile241fs; shifts the reading frame from isoleucine 241.
Molecular consequence: frameshift variant.
Genome position (GRCh38, 1-based): chr6:110,627,070, A deleted on the plus strand (T on the coding strand, the reverse complement: CDK19 is on the minus strand). VCF-style (leftmost placement, unchanged base first): chr6-110627069-TA-T. GRCh37 (hg19) VCF-style: chr6-110948272-TA-T.
Other names: c.590del, p.Ile197fs (NM_001300960.2); c.542del, p.Ile181fs (NM_001300963.2, NM_001300964.2); short protein forms I241fs, I181fs, I197fs.
Identifiers: ClinVar variation 2136079 (VCV002136079.1), dbSNP rs2535338533, ClinGen allele CA2580074775.